The following is an entry in ClinVar:

ClinVar aggregate classification (germline): Uncertain significance (1 of 4 stars; one submission).

Conditions:
Short stature-optic atrophy-Pelger-Huët anomaly syndrome. Also called: Short stature-optic atrophy-Pelger-HuC+t anomaly syndrome; Short stature, optic nerve atrophy, and Pelger-Huet anomaly. Identifiers: Orphanet 391677, MedGen C3541319, MONDO:0013889, OMIM 614800.

Submission:

Illumina Laboratory Services, Illumina
Classification: Uncertain significance for Short stature-optic atrophy-Pelger-Huët anomaly syndrome. Last evaluated: 2023-09-26. Review status: criteria provided, single submitter. Criteria: ISL SNV Classification Criteria 03 February 2026. Collection method: clinical testing. Allele origin: unknown.
Comment: The NBAS c.746+8067A>G variant occurs in an intron and has not, to our knowledge, been reported in the peer-reviewed literature. This variant is not observed at a significant frequency in version 2.1.1 or version 3.1.2 of the Genome Aggregation Database. Computational evidence suggests the variant may impact splicing. Based on the available evidence, the c.746+8067A>G variant is classified as a variant of uncertain significance.

NM_015909.4(NBAS):c.746+8067A>G

Gene: NBAS (NBAS subunit of NRZ tethering complex; minus strand). Cytogenetic location: 2p24.3.
Variant type: single nucleotide variant.
Coding change: c.746+8067A>G on transcript NM_015909.4 (MANE Select); 8067 bases into the intron after coding-DNA position 746, A replaced by G.
Molecular consequence: intron variant.
Genome position (GRCh38, 1-based): chr2:15,526,476, T>C on the plus strand (A>G on the coding strand, the complement: NBAS is on the minus strand). VCF-style: chr2-15526476-T-C. GRCh37 (hg19) VCF-style: chr2-15666600-T-C.
Identifiers: ClinVar variation 4759461 (VCV004759461.1).